The following is an entry in ClinVar:

ClinVar aggregate classification (germline): Likely benign. Review status: criteria provided, multiple submitters, no conflicts (2 of 4 stars). 2 submissions from 2 submitters: Likely benign (2). Last evaluated 2022-02-25.

Allele frequency attached by ClinVar (database versions not stated): TOPMed 0.00001.
gnomAD v4.1: 2 of 1,509,816 alleles (0.00013%); highest among the groups gnomAD compares: Admixed American, 0.005%; no homozygotes.

Submissions (2):

Labcorp Genetics (formerly Invitae), Labcorp
Classification: Likely benign. Last evaluated: 2022-02-25. Review status: criteria provided, single submitter. Criteria: Invitae Variant Classification Sherloc (09022015). Collection method: clinical testing. Allele origin: germline.

GeneDx
Classification: Likely benign. Last evaluated: 2016-03-04. Review status: criteria provided, single submitter. Criteria: GeneDx Variant Classification (06012015). Collection method: clinical testing. Allele origin: germline. Affected: yes.
Comment: This variant is considered likely benign or benign based on one or more of the following criteria: it is a conservative change, it occurs at a poorly conserved position in the protein, it is predicted to be benign by multiple in silico algorithms, and/or has population frequency not consistent with disease.

NM_001384732.1(CPLANE1):c.2613C>G (p.Arg871=)

Gene: CPLANE1 (ciliogenesis and planar polarity effector complex subunit 1; minus strand). Cytogenetic location: 5p13.2.
Variant type: single nucleotide variant.
Coding change: c.2613C>G on transcript NM_001384732.1 (MANE Select); coding-DNA position 2613, C replaced by G.
Protein change: p.Arg871=; no amino-acid change (arginine 871 retained).
Molecular consequence: synonymous variant.
Genome position (GRCh38, 1-based): chr5:37,221,457, G>C on the plus strand (C>G on the coding strand, the complement: CPLANE1 is on the minus strand). VCF-style: chr5-37221457-G-C. GRCh37 (hg19) VCF-style: chr5-37221559-G-C.
Other names: c.2613C>G, p.Arg871= (NM_023073.4).
Identifiers: ClinVar variation 384372 (VCV000384372.6), dbSNP rs1057521941, ClinGen allele CA16605368.
Genomic context (GRCh38, chr5:37,221,457, plus strand): 5'-TCCTTGAGCATCATTTAAATTATAGCTATAGAGGTGGCAGTATAAGAGAGAAAGATAATA[G>C]CGTATCTGAAGAAAATACGTCCTTCTTCCTCCTGAAACAAGAAGTAAGCTCACCTTAAAA-3'
Protein context (NP_001371661.1, residues 861-881): GGRRTYFLQI[Arg871=]YYLSLLYCHL